The following is an entry in ClinVar:

ClinVar aggregate classification (germline): Likely benign. Review status: criteria provided, multiple submitters, no conflicts (2 of 4 stars). 3 submissions from 3 submitters: Likely benign (3). Last evaluated 2025-10-15.

Conditions:
Spastic paraplegia. Identifiers: MedGen C0037772, HP:0001258.

gnomAD v4.1: 50 of 1,613,316 alleles (0.0031%); highest among the groups gnomAD compares: Non-Finnish European, 0.0038%; no homozygotes.

Submissions (3):

Mayo Clinic Laboratories, Mayo Clinic
Classification: Likely benign. Last evaluated: 2025-10-15. Review status: criteria provided, single submitter. Criteria: ACMG Guidelines, 2015. Collection method: clinical testing. Allele origin: germline. Observed: 1 variant allele.
Comment: BP4, BP7

Labcorp Genetics (formerly Invitae), Labcorp
Classification: Likely benign for Spastic paraplegia. Last evaluated: 2025-09-23. Review status: criteria provided, single submitter. Criteria: Invitae Variant Classification Sherloc (09022015). Collection method: clinical testing. Allele origin: germline.

Blueprint Genetics
Classification: Likely benign. Last evaluated: 2024-10-16. Review status: criteria provided, single submitter. Criteria: ACMG Guidelines, 2015. Collection method: clinical testing. Allele origin: germline.

NM_004733.4(SLC33A1):c.762C>T (p.Ile254=)

Gene: SLC33A1 (solute carrier family 33 member 1; minus strand). Cytogenetic location: 3q25.31.
Variant type: single nucleotide variant.
Coding change: c.762C>T on transcript NM_004733.4 (MANE Select); coding-DNA position 762, C replaced by T.
Protein change: p.Ile254=; no amino-acid change (isoleucine 254 retained).
Molecular consequence: synonymous variant.
Genome position (GRCh38, 1-based): chr3:155,853,236, G>A on the plus strand (C>T on the coding strand, the complement: SLC33A1 is on the minus strand). VCF-style: chr3-155853236-G-A. GRCh37 (hg19) VCF-style: chr3-155571025-G-A.
Other names: p.Ile254=; c.762C>T, p.Ile254= (NM_001190992.2, NM_001363883.1).
Identifiers: ClinVar variation 4684733 (VCV004684733.3).